The following is an entry in ClinVar:

ClinVar aggregate classification (germline): Uncertain significance. Review status: criteria provided, multiple submitters, no conflicts (2 of 4 stars). 2 submissions from 2 submitters: Uncertain significance (2). Last evaluated 2025-05-23.

Conditions:
Inborn genetic diseases. Identifiers: MedGen C0950123, MeSH D030342.

gnomAD v4.1: 3 of 1,612,948 alleles (0.00019%); no homozygotes.

Submissions (2):

Ambry Genetics
Classification: Uncertain significance for Inborn genetic diseases. Last evaluated: 2025-05-23. Review status: criteria provided, single submitter. Criteria: Ambry Variant Classification Scheme 2023. Collection method: clinical testing. Allele origin: germline.

Labcorp Genetics (formerly Invitae), Labcorp
Classification: Uncertain significance. Last evaluated: 2025-03-18. Review status: criteria provided, single submitter. Criteria: Invitae Variant Classification Sherloc (09022015). Collection method: clinical testing. Allele origin: germline.
Comment: This sequence change replaces aspartic acid, which is acidic and polar, with glutamic acid, which is acidic and polar, at codon 1186 of the ANK3 protein (p.Asp1186Glu). This variant is present in population databases (rs371681236, gnomAD 0.006%). This variant has not been reported in the literature in individuals affected with ANK3-related conditions. ClinVar contains an entry for this variant (Variation ID: 2886038). Invitae Evidence Modeling of protein sequence and biophysical properties (such as structural, functional, and spatial information, amino acid conservation, physicochemical variation, residue mobility, and thermodynamic stability) indicates that this missense variant is not expected to disrupt ANK3 protein function with a negative predictive value of 80%. In summary, the available evidence is currently insufficient to determine the role of this variant in disease. Therefore, it has been classified as a Variant of Uncertain Significance.

NM_020987.5(ANK3):c.3558T>A (p.Asp1186Glu)

Gene: ANK3 (ankyrin 3; minus strand). Cytogenetic location: 10q21.2.
Variant type: single nucleotide variant.
Coding change: c.3558T>A on transcript NM_020987.5 (MANE Select); coding-DNA position 3558, T replaced by A.
Protein change: p.Asp1186Glu; replaces aspartic acid 1186 with glutamic acid.
Molecular consequence: missense variant.
Genome position (GRCh38, 1-based): chr10:60,086,867, A>T on the plus strand (T>A on the coding strand, the complement: ANK3 is on the minus strand). VCF-style: chr10-60086867-A-T. GRCh37 (hg19) VCF-style: chr10-61846625-A-T.
Other names: c.960T>A, p.Asp320Glu (NM_001149.4); c.3540T>A, p.Asp1180Glu (NM_001204403.2); c.3561T>A, p.Asp1187Glu (NM_001204404.2); c.3558T>A, p.Asp1186Glu (NM_001320874.2); c.3558T>A (NM_020987.3); short protein forms D1180E, D320E, D1186E, D1187E.
Identifiers: ClinVar variation 2886038 (VCV002886038.4), dbSNP rs371681236, ClinGen allele CA208253174.